The following is an entry in ClinVar:

ClinVar aggregate classification (germline): Uncertain significance. Review status: criteria provided, multiple submitters, no conflicts (2 of 4 stars). 2 submissions from 2 submitters: Uncertain significance (2). Last evaluated 2023-06-07.

Conditions:
Bleeding disorder, platelet-type, 13, susceptibility to (BDPLT13). Also called: BLEEDING DISORDER, SUSCEPTIBILITY TO, DUE TO DEFECTIVE PLATELET THROMBOXANE A2 RECEPTOR. Identifiers: MedGen C3279614, MONDO:0800447, OMIM 614009.
TBXA2R-related disorder. Also called: TBXA2R-related condition.

Allele frequency attached by ClinVar (database versions not stated): gnomAD exomes below 0.00001; gnomAD 0.00001; TOPMed 0.00001.

Submissions (2):

PreventionGenetics, part of Exact Sciences
Classification: Uncertain significance for TBXA2R-related condition. Last evaluated: 2023-06-07. Review status: criteria provided, single submitter. Criteria: ACMG Guidelines, 2015. Collection method: clinical testing. Allele origin: germline.
Comment: The TBXA2R c.388C>T variant is predicted to result in the amino acid substitution p.Arg130Cys. To our knowledge, this variant has not been reported in the literature or in a large population database, indicating this variant is rare. At this time, the clinical significance of this variant is uncertain due to the absence of conclusive functional and genetic evidence.

ISTH-SSC Genomics in Thrombosis and Hemostasis, KU Leuven, Center for Molecular and Vascular Biology
Classification: Uncertain significance for Bleeding disorder, platelet-type, 13, susceptibility to. Review status: criteria provided, single submitter. Criteria: ACMG Guidelines, 2015. Collection method: clinical testing. Allele origin: germline. Affected: yes. Observed: 1 heterozygote.
Comment: Submitted to GoldVariant by Kathleen Freson, Center for Molecular and Vascular Biology, Leuven, Belgium

NM_001060.6(TBXA2R):c.388C>T (p.Arg130Cys)

Gene: TBXA2R (thromboxane A2 receptor; minus strand). Cytogenetic location: 19p13.3.
Variant type: single nucleotide variant.
Coding change: c.388C>T on transcript NM_001060.6 (MANE Select); coding-DNA position 388, C replaced by T.
Protein change: p.Arg130Cys; replaces arginine 130 with cysteine.
Molecular consequence: missense variant.
Genome position (GRCh38, 1-based): chr19:3,600,247, G>A on the plus strand (C>T on the coding strand, the complement: TBXA2R is on the minus strand). VCF-style: chr19-3600247-G-A. GRCh37 (hg19) VCF-style: chr19-3600245-G-A.
Other names: c.388C>T, p.Arg130Cys (NM_201636.3); c.388C>T (NM_201636.2); short protein forms R130C.
Identifiers: ClinVar variation 1703801 (VCV001703801.2), dbSNP rs1248227727, ClinGen allele CA403334739.
Genomic context (GRCh38, chr19:3,600,247, plus strand): 5'-AGGCGCGGCGCTGCGAGGCGACCGCCGGGCGCGAGAAGGGCCGGGTGATACCCAGGTAGC[G>A]CTCTGAGGCCATGGCGGCCCCCAGCAGCAGCGGGGACAGGCCGAAGAAGATCATGACGAC-3'
Protein context (NP_001051.1, residues 120-140): LLLGAAMASE[Arg130Cys]YLGITRPFSR